The following is an entry in ClinVar:

NM_014633.5(CTR9):c.85G>C (p.Glu29Gln)

Gene: CTR9 (CTR9 homolog, Paf1/RNA polymerase II complex component; plus strand). Cytogenetic location: 11p15.4.
Variant type: single nucleotide variant.
Coding change: c.85G>C on transcript NM_014633.5 (MANE Select); coding-DNA position 85, G replaced by C.
Protein change: p.Glu29Gln; replaces glutamic acid 29 with glutamine.
Molecular consequence: missense variant.
Genome position (GRCh38, 1-based): chr11:10,752,711, G>C. VCF-style: chr11-10752711-G-C. GRCh37 (hg19) VCF-style: chr11-10774258-G-C.
Other names: c.85G>C, p.Glu29Gln (NM_001346279.2); short protein forms E29Q.
Identifiers: ClinVar variation 2576938 (VCV002576938.1), dbSNP rs2539366637, ClinGen allele CA379675078.

ClinVar aggregate classification (germline): Likely pathogenic (1 of 4 stars; one submission).

Submission:

GeneDx
Classification: Likely pathogenic. Last evaluated: 2023-05-10. Review status: criteria provided, single submitter. Criteria: GeneDx Variant Classification Process June 2021. Collection method: clinical testing. Allele origin: germline. Affected: yes.
Comment: Not observed at significant frequency in large population cohorts (gnomAD); In silico analysis supports that this missense variant has a deleterious effect on protein structure/function; Has not been previously published as pathogenic or benign to our knowledge